The following is an entry in ClinVar:

NM_000444.6(PHEX):c.1900-4_1900-1dup

Genes: PHEX (phosphate regulating endopeptidase X-linked; plus strand), PTCHD1-AS (PTCHD1 and PHEX antisense RNA; minus strand). Cytogenetic location: Xp22.11.
Variant type: Duplication.
Coding change: c.1900-4_1900-1dup on transcript NM_000444.6 (MANE Select); 4 bases into the intron before coding-DNA position 1900 through the canonical splice acceptor site of the intron before coding-DNA position 1900, 4 bases duplicated (TTAG; older notation c.1900-4_1900-1dupTTAG).
Molecular consequence: splice acceptor variant.
Genome position (GRCh38, 1-based): chrX:22,226,439-22,226,442, TTAG duplicated; duplicating any 4 consecutive bases within chrX:22,226,438-22,226,442 gives the same sequence; the c. name uses the placement nearest the transcript's 3' end. VCF-style (leftmost placement, unchanged base first): chrX-22226437-T-TGTTA. GRCh37 (hg19) VCF-style: chrX-22244554-T-TGTTA.
Other names: c.1900-4_1900-1dup (NM_001282754.2).
Identifiers: ClinVar variation 5036928 (VCV005036928.1).

ClinVar aggregate classification (germline): Uncertain significance (1 of 4 stars; one submission).

Submission:

GeneDx
Classification: Uncertain significance. Last evaluated: 2026-04-13. Review status: criteria provided, single submitter. Criteria: GeneDx Variant Classification Process June 2021. Collection method: clinical testing. Allele origin: germline.
Comment: RNA studies demonstrate a damaging effect: splice studies show leaky splicing with aberrant transcript resulting in a frameshift mutation (PMID: 38927615); Not observed at significant frequency in large population cohorts (gnomAD); This variant is associated with the following publications: (PMID: 38927615)